The following is an entry in ClinVar:

NM_003482.4(KMT2D):c.2332_2358del (p.Cys778_Pro786del)

Gene: KMT2D (lysine methyltransferase 2D; minus strand). Cytogenetic location: 12q13.12.
Variant type: Deletion.
Coding change: c.2332_2358del on transcript NM_003482.4 (MANE Select); coding-DNA positions 2332 to 2358, 27 bases deleted (TGCCTATGCGCTGTGCCTGAGGAGCCA).
Protein change: p.Cys778_Pro786del.
Molecular consequence: inframe deletion.
Genome position (GRCh38, 1-based): chr12:49,051,325-49,051,351, TGGCTCCTCAGGCACAGCGCATAGGCA deleted on the plus strand (TGCCTATGCGCTGTGCCTGAGGAGCCA on the coding strand, the reverse complement: KMT2D is on the minus strand); deleting any 27 consecutive bases within chr12:49,051,325-49,051,364 gives the same sequence; the c. name uses the placement nearest the transcript's 3' end. VCF-style (leftmost placement, unchanged base first): chr12-49051324-GTGGCTCCTCAGGCACAGCGCATAGGCA-G. GRCh37 (hg19) VCF-style: chr12-49445107-GTGGCTCCTCAGGCACAGCGCATAGGCA-G.
Other names: c.2332_2358del (NM_003482.3); c.2332_2358del27 (NM_003482.3).
Identifiers: ClinVar variation 1673192 (VCV001673192.10), dbSNP rs764417517, ClinGen allele CA6548276.

ClinVar aggregate classification (germline): Conflicting classifications of pathogenicity. Review status: criteria provided, conflicting classifications (1 of 4 stars). 3 submissions from 3 submitters: Uncertain significance (1); Likely benign (2). Last evaluated 2026-01-06.

Conditions:
KMT2D-related disorder. Also called: KMT2D-Related Disorders.
Kabuki syndrome. Also called: NIIKAWA-KUROKI SYNDROME; Kabuki make-up syndrome. Identifiers: Orphanet 2322, MedGen C0796004, MONDO:0016512.

Submissions (3):

Labcorp Genetics (formerly Invitae), Labcorp
Classification: Likely benign for Kabuki syndrome. Last evaluated: 2026-01-06. Review status: criteria provided, single submitter. Criteria: Invitae Variant Classification Sherloc (09022015). Collection method: clinical testing. Allele origin: germline.

PreventionGenetics, part of Exact Sciences
Classification: Likely benign for KMT2D-related condition. Last evaluated: 2025-10-27. Review status: criteria provided, single submitter. Criteria: ACMG Guidelines, 2015. Collection method: clinical testing. Allele origin: germline.
Comment: This variant is classified as likely benign based on ACMG/AMP sequence variant interpretation guidelines (Richards et al. 2015 PMID: 25741868, with internal and published modifications).

GeneDx
Classification: Uncertain significance. Last evaluated: 2023-05-07. Review status: criteria provided, single submitter. Criteria: GeneDx Variant Classification Process June 2021. Collection method: clinical testing. Allele origin: germline. Affected: yes.
Comment: In-frame deletion of 9 amino acids in a non-repeat region; In silico analysis supports that this variant does not alter protein structure/function; Has not been previously published as pathogenic or benign to our knowledge